The following is an entry in ClinVar:

ClinVar aggregate classification (germline): Benign (1 of 4 stars; one submission).

Allele frequency attached by ClinVar (database versions not stated): gnomAD 0.16588 and 0.16667; 1000 Genomes Project 0.16953; 1000 Genomes Project 30x 0.17333; TOPMed 0.17842.
gnomAD v4.1: 25,189 of 151,874 alleles (17%); highest among the groups gnomAD compares: Admixed American, 25%; 2,270 homozygotes.

Submission:

GeneDx
Classification: Benign. Last evaluated: 2018-06-14. Review status: criteria provided, single submitter. Criteria: GeneDx Variant Classification (06012015). Collection method: clinical testing. Allele origin: germline. Affected: yes.
Comment: This variant is considered likely benign or benign based on one or more of the following criteria: it is a conservative change, it occurs at a poorly conserved position in the protein, it is predicted to be benign by multiple in silico algorithms, and/or has population frequency not consistent with disease.

NM_001377.3(DYNC2H1):c.11725+204G>A

Gene: DYNC2H1 (dynein cytoplasmic 2 heavy chain 1; plus strand). Cytogenetic location: 11q22.3.
Variant type: single nucleotide variant.
Coding change: c.11725+204G>A on transcript NM_001377.3 (MANE Select); 204 bases into the intron after coding-DNA position 11725, G replaced by A.
Molecular consequence: intron variant.
Genome position (GRCh38, 1-based): chr11:103,316,824, G>A. VCF-style: chr11-103316824-G-A. GRCh37 (hg19) VCF-style: chr11-103187553-G-A.
Other names: c.11746+204G>A (NM_001080463.2).
Identifiers: ClinVar variation 667784 (VCV000667784.1), dbSNP rs7102777, ClinGen allele CA227431626.
Genomic context (GRCh38, chr11:103,316,824, plus strand): 5'-TACCTGTGTTATCTCAGAGTTCTTATATGGATCTGTTTTTACATGGATTCTTCTTTCTGG[G>A]AGCAGAAGTCTAGAAAGACCTTGTTTTCACTTTGTGGCTTTCAAAAGTTTCAGGCACTAA-3'